The following is an entry in ClinVar:

ClinVar aggregate classification (germline): Uncertain significance (1 of 4 stars; one submission).

gnomAD v4.1: 1 of 1,613,930 alleles (0.000062%); highest among the groups gnomAD compares: Non-Finnish European, 0.000085%; no homozygotes.

Submission:

Labcorp Genetics (formerly Invitae), Labcorp
Classification: Uncertain significance. Last evaluated: 2023-10-11. Review status: criteria provided, single submitter. Criteria: Invitae Variant Classification Sherloc (09022015). Collection method: clinical testing. Allele origin: germline.
Comment: This sequence change replaces arginine, which is basic and polar, with proline, which is neutral and non-polar, at codon 1692 of the ALPK3 protein (p.Arg1692Pro). This variant is not present in population databases (gnomAD no frequency). This variant has not been reported in the literature in individuals affected with ALPK3-related conditions. An algorithm developed to predict the effect of missense changes on protein structure and function (PolyPhen-2) suggests that this variant is likely to be disruptive. In summary, the available evidence is currently insufficient to determine the role of this variant in disease. Therefore, it has been classified as a Variant of Uncertain Significance.

NM_020778.5(ALPK3):c.4469G>C (p.Arg1490Pro)

Gene: ALPK3 (alpha kinase 3; plus strand). Cytogenetic location: 15q25.3.
Variant type: single nucleotide variant.
Coding change: c.4469G>C on transcript NM_020778.5 (MANE Select); coding-DNA position 4469, G replaced by C.
Protein change: p.Arg1490Pro; replaces arginine 1490 with proline.
Molecular consequence: missense variant.
Genome position (GRCh38, 1-based): chr15:84,863,610, G>C. VCF-style: chr15-84863610-G-C. GRCh37 (hg19) VCF-style: chr15-85406841-G-C.
Other names: short protein forms R1490P.
Identifiers: ClinVar variation 3009418 (VCV003009418.3), dbSNP rs752155273, ClinGen allele CA393363853.